The following is an entry in ClinVar:

NM_001370100.5(ZMYND11):c.1640C>T (p.Ala547Val)

Genes: ZMYND11 (zinc finger MYND-type containing 11; plus strand), LOC126860802 (BRD4-independent group 4 enhancer GRCh37_chr10:294268-295467; plus strand). Cytogenetic location: 10p15.3.
Variant type: single nucleotide variant.
Coding change: c.1640C>T on transcript NM_001370100.5 (MANE Select); coding-DNA position 1640, C replaced by T.
Protein change: p.Ala547Val; replaces alanine 547 with valine.
Molecular consequence: missense variant. On other transcripts: non-coding transcript variant (1).
Genome position (GRCh38, 1-based): chr10:249,042, C>T. VCF-style: chr10-249042-C-T. GRCh37 (hg19) VCF-style: chr10-294982-C-T.
Other names: c.1385C>T, p.Ala462Val (NM_001370110.2, NM_001202465.3); c.1475C>T, p.Ala492Val (NM_001370111.2, NM_001202466.3); c.1589C>T, p.Ala530Val (NM_001370112.2, NM_001330057.3); c.1547C>T, p.Ala516Val (NM_001370113.2, NM_001370114.2); c.1637C>T, p.Ala546Val (NM_001370115.2, NM_212479.4); c.1574C>T, p.Ala525Val (NM_001370116.2); c.1571C>T, p.Ala524Val (NM_001370117.2); c.1520C>T, p.Ala507Val (NM_001370118.2); and 8 more; short protein forms A492V, A493V, A498V, A525V, A546V, A390V, A471V, A530V.
Identifiers: ClinVar variation 2753572 (VCV002753572.3), dbSNP rs752380132, ClinGen allele CA5379295.

ClinVar aggregate classification (germline): Uncertain significance (1 of 4 stars; one submission).

Allele frequency attached by ClinVar (database versions not stated): gnomAD exomes below 0.00001; TOPMed below 0.00001; ExAC 0.00001.
gnomAD v4.1: 1 of 1,614,174 alleles (0.000062%); highest among the groups gnomAD compares: African/African-American, 0.0013%; no homozygotes.

Submission:

Labcorp Genetics (formerly Invitae), Labcorp
Classification: Uncertain significance. Last evaluated: 2023-08-17. Review status: criteria provided, single submitter. Criteria: Invitae Variant Classification Sherloc (09022015). Collection method: clinical testing. Allele origin: germline.
Comment: In summary, the available evidence is currently insufficient to determine the role of this variant in disease. Therefore, it has been classified as a Variant of Uncertain Significance. Advanced modeling of protein sequence and biophysical properties (such as structural, functional, and spatial information, amino acid conservation, physicochemical variation, residue mobility, and thermodynamic stability) performed at Invitae indicates that this missense variant is not expected to disrupt ZMYND11 protein function. This variant has not been reported in the literature in individuals affected with ZMYND11-related conditions. This variant is present in population databases (rs752380132, gnomAD 0.007%). This sequence change replaces alanine, which is neutral and non-polar, with valine, which is neutral and non-polar, at codon 547 of the ZMYND11 protein (p.Ala547Val).